The following is an entry in ClinVar:

ClinVar aggregate classification (germline): Likely pathogenic. Review status: criteria provided, multiple submitters, no conflicts (2 of 4 stars). 2 submissions from 2 submitters: Likely pathogenic (2). Last evaluated 2025-09-29.

Conditions:
Mucopolysaccharidosis, MPS-III-D (MPS3D). Also called: N-ACETYLGLUCOSAMINE-6-SULFATASE DEFICIENCY; SANFILIPPO SYNDROME D; MPS III D; Mucopoly-saccharidosis type 3D; N-acetylglucosamine-6-sulfate sulfatase deficiency; MPS 3D. Identifiers: Orphanet 581, Orphanet 79272, MedGen C0086650, MONDO:0009658, OMIM 252940.
Sanfilippo syndrome. Also called: Mucopolysaccharidosis Type III; Mucopolysaccharidosis type 3; Sanfilippo disease. Identifiers: Orphanet 581, MedGen C0026706, MONDO:0018937.

Submissions (2):

Natera, Inc.
Classification: Likely pathogenic for Sanfilippo disease. Last evaluated: 2025-09-29. Review status: criteria provided, single submitter. Criteria: Natera Variant Classification Schema (03/2026). Collection method: clinical testing. Allele origin: germline.
Comment: The c.802del variant in GNS is a frameshift variant predicted to shift the reading frame beginning at codon 268 and leads to a stop codon 2 codons downstream. This variant is expected to result in nonsense mediated decay, truncation, or a dysfunctional protein product. This variant is rare in the general population with a frequency below the threshold expected for the associated phenotype(s). Given the available evidence, this variant is classified as Likely Pathogenic.

Fulgent Genetics
Classification: Likely pathogenic for Mucopolysaccharidosis, MPS-III-D. Last evaluated: 2024-01-23. Review status: criteria provided, single submitter. Criteria: ACMG Guidelines, 2015. Collection method: clinical testing. Allele origin: germline.

NM_002076.4(GNS):c.802del (p.Trp268fs)

Gene: GNS (glucosamine (N-acetyl)-6-sulfatase; minus strand). Cytogenetic location: 12q14.3.
Variant type: Deletion.
Coding change: c.802del on transcript NM_002076.4 (MANE Select); coding-DNA position 802, one base deleted (T; older notation c.802delT).
Protein change: p.Trp268fs; shifts the reading frame from tryptophan 268.
Molecular consequence: frameshift variant.
Genome position (GRCh38, 1-based): chr12:64,740,679, A deleted on the plus strand (T on the coding strand, the reverse complement: GNS is on the minus strand). VCF-style (leftmost placement, unchanged base first): chr12-64740678-CA-C. GRCh37 (hg19) VCF-style: chr12-65134458-CA-C.
Other names: c.802del (NM_002076.3); short protein forms W268fs.
Identifiers: ClinVar variation 3575159 (VCV003575159.2).
Genomic context (GRCh38, chr12:64,740,678, plus strand): 5'-GCATTATCTAAAAACTGTATTGAAGAATTAGTCATTGGAGTCTTGGCTTGCCTAATTAAC[CA>C]GTGCTTGTTCTAAAATTTAGAAGAAAAAAAATGTTAACACCAAGTCACCACAGTCAAACA-3'